The following is an entry in ClinVar:

ClinVar aggregate classification (germline): Uncertain significance (1 of 4 stars; one submission).

Allele frequency attached by ClinVar (database versions not stated): gnomAD exomes below 0.00001; gnomAD 0.00001.

Submission:

Labcorp Genetics (formerly Invitae), Labcorp
Classification: Uncertain significance. Last evaluated: 2025-05-23. Review status: criteria provided, single submitter. Criteria: Invitae Variant Classification Sherloc (09022015). Collection method: clinical testing. Allele origin: germline.
Comment: This sequence change replaces proline, which is neutral and non-polar, with serine, which is neutral and polar, at codon 343 of the HNF1B protein (p.Pro343Ser). This variant is not present in population databases (gnomAD no frequency). This missense change has been observed in individual(s) with HNF1B-related conditions (PMID: 30725063). This missense change has been observed in at least one individual who was not affected with HNF1B-related conditions (PMID: 30725063). ClinVar contains an entry for this variant (Variation ID: 1447210). Invitae Evidence Modeling of protein sequence and biophysical properties (such as structural, functional, and spatial information, amino acid conservation, physicochemical variation, residue mobility, and thermodynamic stability) indicates that this missense variant is not expected to disrupt HNF1B protein function with a negative predictive value of 80%. In summary, the available evidence is currently insufficient to determine the role of this variant in disease. Therefore, it has been classified as a Variant of Uncertain Significance.

Literature cited by the submitters: PubMed 30725063.

NM_000458.4(HNF1B):c.1027C>T (p.Pro343Ser)

Gene: HNF1B (HNF1 homeobox B; minus strand). Cytogenetic location: 17q12.
Variant type: single nucleotide variant.
Coding change: c.1027C>T on transcript NM_000458.4 (MANE Select); coding-DNA position 1027, C replaced by T.
Protein change: p.Pro343Ser; replaces proline 343 with serine.
Molecular consequence: missense variant.
Genome position (GRCh38, 1-based): chr17:37,731,613, G>A on the plus strand (C>T on the coding strand, the complement: HNF1B is on the minus strand). VCF-style: chr17-37731613-G-A. GRCh37 (hg19) VCF-style: chr17-36091604-G-A.
Other names: c.949C>T, p.Pro317Ser (NM_001165923.4, NM_001304286.2); short protein forms P343S, P317S.
Identifiers: ClinVar variation 1447210 (VCV001447210.8), dbSNP rs1340778524, ClinGen allele CA398745967.